The following is an entry in ClinVar:

ClinVar aggregate classification (germline): Uncertain significance (1 of 4 stars; one submission).

Submission:

Labcorp Genetics (formerly Invitae), Labcorp
Classification: Uncertain significance. Last evaluated: 2021-05-03. Review status: criteria provided, single submitter. Criteria: Invitae Variant Classification Sherloc (09022015). Collection method: clinical testing. Allele origin: germline.
Comment: This variant has not been reported in the literature in individuals with POLR2A-related conditions. This variant is not present in population databases (ExAC no frequency). This sequence change replaces valine with leucine at codon 1185 of the POLR2A protein (p.Val1185Leu). The valine residue is highly conserved and there is a small physicochemical difference between valine and leucine. Algorithms developed to predict the effect of missense changes on protein structure and function are either unavailable or do not agree on the potential impact of this missense change (SIFT: "Deleterious"; PolyPhen-2: "Possibly Damaging"; Align-GVGD: "Class C0"). In summary, the available evidence is currently insufficient to determine the role of this variant in disease. Therefore, it has been classified as a Variant of Uncertain Significance.

NM_000937.5(POLR2A):c.3553G>T (p.Val1185Leu)

Gene: POLR2A (RNA polymerase II subunit A; plus strand). Cytogenetic location: 17p13.1.
Variant type: single nucleotide variant.
Coding change: c.3553G>T on transcript NM_000937.5 (MANE Select); coding-DNA position 3553, G replaced by T.
Protein change: p.Val1185Leu; replaces valine 1185 with leucine.
Molecular consequence: missense variant.
Genome position (GRCh38, 1-based): chr17:7,509,031, G>T. VCF-style: chr17-7509031-G-T. GRCh37 (hg19) VCF-style: chr17-7412350-G-T.
Other names: short protein forms V1185L.
Identifiers: ClinVar variation 1392105 (VCV001392105.6), dbSNP rs367972791, ClinGen allele CA397810770.